The following is an entry in ClinVar:

NM_005045.4(RELN):c.293T>C (p.Val98Ala)

Gene: RELN (reelin; minus strand). Cytogenetic location: 7q22.1.
Variant type: single nucleotide variant.
Coding change: c.293T>C on transcript NM_005045.4 (MANE Select); coding-DNA position 293, T replaced by C.
Protein change: p.Val98Ala; replaces valine 98 with alanine.
Molecular consequence: missense variant.
Genome position (GRCh38, 1-based): chr7:103,917,119, A>G on the plus strand (T>C on the coding strand, the complement: RELN is on the minus strand). VCF-style: chr7-103917119-A-G. GRCh37 (hg19) VCF-style: chr7-103557566-A-G.
Other names: c.293T>C, p.Val98Ala (NM_173054.3); c.293T>C (NM_005045.3); short protein forms V98A.
Identifiers: ClinVar variation 624300 (VCV000624300.50), dbSNP rs1471699014, ClinGen allele CA368931053.

ClinVar aggregate classification (germline): Uncertain significance. Review status: criteria provided, multiple submitters, no conflicts (2 of 4 stars). 3 submissions from 3 submitters: Uncertain significance (3). Last evaluated 2025-11-06.

Conditions:
Inborn genetic diseases. Identifiers: MedGen C0950123, MeSH D030342.
Familial temporal lobe epilepsy 7. Identifiers: Orphanet 101046, MedGen C4225327, MONDO:0014639, OMIM 616436.
Norman-Roberts syndrome (LIS2). Also called: Lissencephaly 2 (Norman-Roberts type). Identifiers: Orphanet 89844, MedGen C0796089, MONDO:0009760, OMIM 257320.

Allele frequency attached by ClinVar (database versions not stated): gnomAD exomes below 0.00001; TOPMed below 0.00001; gnomAD 0.00001.
gnomAD v4.1: 7 of 1,613,570 alleles (0.00043%); highest among the groups gnomAD compares: Non-Finnish European, 0.00059%; no homozygotes.

Submissions (3):

Labcorp Genetics (formerly Invitae), Labcorp
Classification: Uncertain significance for Familial temporal lobe epilepsy 7; Norman-Roberts syndrome. Last evaluated: 2025-11-06. Review status: criteria provided, single submitter. Criteria: Invitae Variant Classification Sherloc (09022015). Collection method: clinical testing. Allele origin: germline.
Comment: This sequence change replaces valine, which is neutral and non-polar, with alanine, which is neutral and non-polar, at codon 98 of the RELN protein (p.Val98Ala). This variant is present in population databases (no rsID available, gnomAD 0.007%). This variant has not been reported in the literature in individuals affected with RELN-related conditions. ClinVar contains an entry for this variant (Variation ID: 624300). Invitae Evidence Modeling of protein sequence and biophysical properties (such as structural, functional, and spatial information, amino acid conservation, physicochemical variation, residue mobility, and thermodynamic stability) indicates that this missense variant is not expected to disrupt RELN protein function with a negative predictive value of 80%. In summary, the available evidence is currently insufficient to determine the role of this variant in disease. Therefore, it has been classified as a Variant of Uncertain Significance.

Ambry Genetics
Classification: Uncertain significance for Inborn genetic diseases. Last evaluated: 2022-01-26. Review status: criteria provided, single submitter. Criteria: Ambry Variant Classification Scheme 2023. Collection method: clinical testing. Allele origin: germline.

CeGaT Center for Human Genetics Tuebingen
Classification: Uncertain significance. Last evaluated: 2018-08-01. Review status: criteria provided, single submitter. Criteria: CeGaT Center For Human Genetics Tuebingen Variant Classification Criteria Version 2. Collection method: clinical testing. Allele origin: germline. Affected: yes. Observed: 1 variant allele.